The following is an entry in ClinVar:

ClinVar aggregate classification (germline): Uncertain significance (1 of 4 stars; one submission).

Submission:

Ambry Genetics
Classification: Uncertain significance. Last evaluated: 2024-08-12. Review status: criteria provided, single submitter. Criteria: Ambry Variant Classification Scheme 2023. Collection method: clinical testing. Allele origin: germline.
Comment: The p.C1387R variant (also known as c.4159T>C), located in coding exon 11 of the MLH3 gene, results from a T to C substitution at nucleotide position 4159. The cysteine at codon 1387 is replaced by arginine, an amino acid with highly dissimilar properties. This amino acid position is conserved. In addition, this alteration is predicted to be deleterious by in silico analysis. Based on the available evidence, the clinical significance of this variant remains unclear.

NM_001040108.2(MLH3):c.4159T>C (p.Cys1387Arg)

Gene: MLH3 (mutL homolog 3; minus strand). Cytogenetic location: 14q24.3.
Variant type: single nucleotide variant.
Coding change: c.4159T>C on transcript NM_001040108.2 (MANE Select); coding-DNA position 4159, T replaced by C.
Protein change: p.Cys1387Arg; replaces cysteine 1387 with arginine.
Molecular consequence: missense variant.
Genome position (GRCh38, 1-based): chr14:75,018,912, A>G on the plus strand (T>C on the coding strand, the complement: MLH3 is on the minus strand). VCF-style: chr14-75018912-A-G. GRCh37 (hg19) VCF-style: chr14-75485615-A-G.
Other names: c.4087T>C, p.Cys1363Arg (NM_014381.3); short protein forms C1363R, C1387R.
Identifiers: ClinVar variation 3396689 (VCV003396689.1).
Genomic context (GRCh38, chr14:75,018,912, plus strand): 5'-CTATGTCAGCTAACGGCAGCATAGAAGGTCTCCCGTGAGCACACTGGAATGGCAGCTGGC[A>G]TGAGGACAGAGCTTCAATAAGGCGGCAACTTTCCTGTAAGCTCAGGCCATCATTAAACTT-3'
Protein context (NP_001035197.1, residues 1377-1397): SCRLIEALSS[Cys1387Arg]QLPFQCAHGR